The following is an entry in ClinVar:

NM_007294.4(BRCA1):c.2225A>G (p.Asn742Ser)

Gene: BRCA1 (BRCA1 DNA repair associated; minus strand). Cytogenetic location: 17q21.31.
Variant type: single nucleotide variant.
Coding change: c.2225A>G on transcript NM_007294.4 (MANE Select); coding-DNA position 2225, A replaced by G.
Protein change: p.Asn742Ser; replaces asparagine 742 with serine.
Molecular consequence: missense variant. On other transcripts: intron variant (137).
Genome position (GRCh38, 1-based): chr17:43,093,306, T>C on the plus strand (A>G on the coding strand, the complement: BRCA1 is on the minus strand). VCF-style: chr17-43093306-T-C. GRCh37 (hg19) VCF-style: chr17-41245323-T-C.
Other names: c.523+1438A>G (NM_001408498.1, NM_001408501.1, NM_001408500.1 and 3 more transcripts); c.646+1438A>G (NM_001408467.1, NM_001408459.1, NM_001408455.1 and 11 more transcripts); c.583+1438A>G (NM_001408475.1); c.709+1438A>G (NM_001408412.1, NM_001408409.1, NM_001408414.1 and 2 more transcripts); c.451+1438A>G (NM_001408509.1, NM_001408508.1); c.574+1438A>G (NM_001408491.1, NM_001408493.1, NM_001408490.1); c.461-2274A>G (NM_001408506.1, NM_001408507.1); c.577+1438A>G (NM_001408481.1, NM_001408480.1, NM_001408492.1 and 9 more transcripts); and 41 more; short protein forms N742S, N695S, N615S, N671S, N675S, N446S, N574S, N654S.
Identifiers: ClinVar variation 403717 (VCV000403717.9), dbSNP rs1060499618, ClinGen allele CA10597551.

ClinVar aggregate classification (germline): Conflicting classifications of pathogenicity. Review status: criteria provided, conflicting classifications (1 of 4 stars). 5 submissions from 5 submitters: Uncertain significance (3); Likely benign (1). 1 of the submissions does not count toward it. Last evaluated 2026-05-15.

Conditions:
Breast-ovarian cancer, familial, susceptibility to, 1 (BROVCA1). Also called: BRCA1 Hereditary Breast and Ovarian Cancer; OVARIAN CANCER, SUSCEPTIBILITY TO. Identifiers: Orphanet 145, MedGen C2676676, MONDO:0011450, OMIM 604370. Disease mechanism: loss of function.
Hereditary cancer-predisposing syndrome. Also called: Neoplastic Syndromes, Hereditary; Hereditary neoplastic syndrome; Hereditary Cancer Syndrome; Tumor predisposition. Identifiers: Orphanet 140162, MedGen C0027672, MeSH D009386, MONDO:0015356.
Hereditary breast ovarian cancer syndrome. Also called: Hereditary breast and ovarian cancer syndrome; Breast and ovarian cancer; Hereditary breast and ovarian cancer syndrome (HBOC); Hereditary breast and/or ovarian cancer syndrome; BRCA1- and BRCA2-Associated Hereditary Breast and Ovarian Cancer; Hereditary breast and ovarian cancer. Identifiers: Orphanet 145, MedGen C0677776, MeSH D061325, MONDO:0003582. Disease mechanism: loss of function.

Submissions (5):

Ambry Genetics
Classification: Uncertain significance for Hereditary cancer-predisposing syndrome. Last evaluated: 2026-05-15. Review status: criteria provided, single submitter. Criteria: Ambry Variant Classification Scheme 2023. Collection method: clinical testing. Allele origin: germline.
Comment: The p.N742S variant (also known as c.2225A>G), located in coding exon 9 of the BRCA1 gene, results from an A to G substitution at nucleotide position 2225. The asparagine at codon 742 is replaced by serine, an amino acid with highly similar properties. This amino acid position is not well conserved in available vertebrate species. In addition, this alteration is predicted to be tolerated by in silico analysis. Based on the available evidence, the clinical significance of this variant remains unclear.

Labcorp Genetics (formerly Invitae), Labcorp
Classification: Uncertain significance for Hereditary breast ovarian cancer syndrome. Last evaluated: 2024-08-06. Review status: criteria provided, single submitter. Criteria: Invitae Variant Classification Sherloc (09022015). Collection method: clinical testing. Allele origin: germline.
Comment: This sequence change replaces asparagine, which is neutral and polar, with serine, which is neutral and polar, at codon 742 of the BRCA1 protein (p.Asn742Ser). This variant is not present in population databases (gnomAD no frequency). This missense change has been observed in individual(s) with ovarian, fallopian tubal, or peritoneal cancer (PMID: 29240602). ClinVar contains an entry for this variant (Variation ID: 403717). Advanced modeling of protein sequence and biophysical properties (such as structural, functional, and spatial information, amino acid conservation, physicochemical variation, residue mobility, and thermodynamic stability) performed at Invitae indicates that this missense variant is not expected to disrupt BRCA1 protein function with a negative predictive value of 95%. In summary, the available evidence is currently insufficient to determine the role of this variant in disease. Therefore, it has been classified as a Variant of Uncertain Significance.

University of Washington Department of Laboratory Medicine, University of Washington
Classification: Likely benign for Hereditary cancer-predisposing syndrome. Last evaluated: 2023-03-23. Review status: criteria provided, single submitter. Criteria: Dines et al. (Genet Med. 2020). Collection method: curation. Allele origin: germline.
Comment: Missense variant in a coldspot region where missense variants are very unlikely to be pathogenic (PMID:31911673).

BRCA1 coldspot (exon 11 using historical exon numbering). Reclassification based on statistical prior probability

Women's Health and Genetics/Laboratory Corporation of America, LabCorp
Classification: Uncertain significance. Last evaluated: 2018-03-07. Review status: criteria provided, single submitter. Criteria: LabCorp Variant Classification Summary - May 2015. Collection method: clinical testing. Allele origin: germline.
Comment: Variant summary: BRCA1 c.2225A>G (p.Asn742Ser) results in a conservative amino acid change in the encoded protein sequence. Five of five in-silico tools predict a benign effect of the variant on protein function. The variant was absent in 245910 control chromosomes. The available data on variant occurrences in the general population are insufficient to allow any conclusion about variant significance. To our knowledge, the c.2225A>G variant has not been reported in the literature in individuals affected with Hereditary Breast and Ovarian Cancer and no experimental evidence demonstrating an impact on protein function has been reported. One clinical diagnostic laboratory has submitted clinical-significance assessments for this variant to ClinVar after 2014 without evidence for independent evaluation, and classified the variant as uncertain significance. Based on the evidence outlined above, the variant was classified as VUS - possibly benign.

Eone-Diagnomics Genome Center
Classification: Uncertain significance for Breast-ovarian cancer, familial, susceptibility to, 1. Last evaluated: 2016-11-04. Review status: no assertion criteria provided. Collection method: clinical testing. Allele origin: germline. Inheritance: Autosomal dominant inheritance. Observed: 1 variant allele, 1 heterozygote. Not counted in ClinVar's aggregate classification.

Literature cited by the submitters: PubMed 29240602 (cited by Labcorp Genetics (formerly Invitae), Labcorp); PubMed 25960936 (cited by Women's Health and Genetics/Laboratory Corporation of America, LabCorp).